The following is an entry in ClinVar:

NM_025114.4(CEP290):c.7183T>A (p.Ser2395Thr)

Gene: CEP290 (centrosomal protein 290; minus strand). Cytogenetic location: 12q21.32.
Variant type: single nucleotide variant.
Coding change: c.7183T>A on transcript NM_025114.4 (MANE Select); coding-DNA position 7183, T replaced by A.
Protein change: p.Ser2395Thr; replaces serine 2395 with threonine.
Molecular consequence: missense variant.
Genome position (GRCh38, 1-based): chr12:88,050,380, A>T on the plus strand (T>A on the coding strand, the complement: CEP290 is on the minus strand). VCF-style: chr12-88050380-A-T. GRCh37 (hg19) VCF-style: chr12-88444157-A-T.
Other names: short protein forms S2395T.
Identifiers: ClinVar variation 4999409 (VCV004999409.1).

ClinVar aggregate classification (germline): Uncertain significance (1 of 4 stars; one submission).

Conditions:
CEP290-related disorder. Also called: CEP290-related disorders; CEP290-related condition. Identifiers: MedGen CN239314.

Submission:

PreventionGenetics, part of Exact Sciences
Classification: Uncertain significance for CEP290-related condition. Last evaluated: 2025-08-04. Review status: criteria provided, single submitter. Criteria: ACMG Guidelines, 2015. Collection method: clinical testing. Allele origin: germline.
Comment: The CEP290 c.7183T>A variant is predicted to result in the amino acid substitution p.Ser2395Thr. To our knowledge, this variant has not been reported in the literature or in a large population database (gnomAD), indicating this variant is rare. At this time, the clinical significance of this variant is uncertain due to the absence of conclusive functional and genetic evidence.